The following is an entry in ClinVar:

NM_001367624.2(ZNF469):c.4684del (p.Leu1562fs)

Gene: ZNF469 (zinc finger protein 469; plus strand). Cytogenetic location: 16q24.2.
Variant type: Deletion.
Coding change: c.4684del on transcript NM_001367624.2 (MANE Select); coding-DNA position 4684, one base deleted (C; older notation c.4684delC).
Protein change: p.Leu1562fs; shifts the reading frame from leucine 1562.
Molecular consequence: frameshift variant.
Genome position (GRCh38, 1-based): chr16:88,432,154, C deleted. VCF-style (leftmost placement, unchanged base first): chr16-88432153-AC-A. GRCh37 (hg19) VCF-style: chr16-88498561-AC-A.
Other names: short protein forms L1562fs.
Identifiers: ClinVar variation 2867173 (VCV002867173.3), dbSNP rs2507588285, ClinGen allele CA2739266942.

ClinVar aggregate classification (germline): Pathogenic (1 of 4 stars; one submission).

Submission:

Labcorp Genetics (formerly Invitae), Labcorp
Classification: Pathogenic. Last evaluated: 2023-05-22. Review status: criteria provided, single submitter. Criteria: Invitae Variant Classification Sherloc (09022015). Collection method: clinical testing. Allele origin: germline.
Comment: This sequence change creates a premature translational stop signal (p.Leu1534Trpfs*10) in the ZNF469 gene. While this is not anticipated to result in nonsense mediated decay, it is expected to disrupt the last 2392 amino acid(s) of the ZNF469 protein. This variant is not present in population databases (gnomAD no frequency). This variant has not been reported in the literature in individuals affected with ZNF469-related conditions. This variant disrupts a region of the ZNF469 protein in which other variant(s) (p.Arg3414Glyfs*59) have been determined to be pathogenic (Invitae). This suggests that this is a clinically significant region of the protein, and that variants that disrupt it are likely to be disease-causing. For these reasons, this variant has been classified as Pathogenic.